The following is an entry in ClinVar:

NM_005902.4(SMAD3):c.721A>C (p.Asn241His)

Gene: SMAD3 (SMAD family member 3; plus strand). Cytogenetic location: 15q22.33.
Variant type: single nucleotide variant.
Coding change: c.721A>C on transcript NM_005902.4 (MANE Select); coding-DNA position 721, A replaced by C.
Protein change: p.Asn241His; replaces asparagine 241 with histidine.
Molecular consequence: missense variant.
Genome position (GRCh38, 1-based): chr15:67,181,303, A>C. VCF-style: chr15-67181303-A-C. GRCh37 (hg19) VCF-style: chr15-67473641-A-C.
Other names: c.721A>C, p.Asn241His (NM_001407011.1, NM_001407013.1); c.589A>C, p.Asn197His (NM_001407012.1, NM_001145103.2); c.574A>C, p.Asn192His (NM_001407014.1); c.274A>C, p.Asn92His (NM_001407015.1); c.406A>C, p.Asn136His (NM_001407016.1, NM_001145102.2); c.136A>C, p.Asn46His (NM_001407017.1, NM_001145104.2); c.721A>C (NM_005902.3); short protein forms N136H, N192H, N197H, N241H, N46H, N92H.
Identifiers: ClinVar variation 1714211 (VCV001714211.6), dbSNP rs2505283411, ClinGen allele CA392956040.

ClinVar aggregate classification (germline): Uncertain significance. Review status: criteria provided, multiple submitters, no conflicts (2 of 4 stars). 2 submissions from 2 submitters: Uncertain significance (2). Last evaluated 2025-06-28.

Conditions:
Familial thoracic aortic aneurysm and aortic dissection (TAAD). Also called: Thoracic aortic aneurysms and dissections. Identifiers: Orphanet 91387, MedGen C4707243, MONDO:0019625.

Allele frequency attached by ClinVar (database versions not stated): gnomAD exomes below 0.00001.
gnomAD v4.1: 1 of 1,614,030 alleles (0.000062%); highest among the groups gnomAD compares: Non-Finnish European, 0.000085%; no homozygotes.

Submissions (2):

Ambry Genetics
Classification: Uncertain significance for Familial thoracic aortic aneurysm and aortic dissection. Last evaluated: 2025-06-28. Review status: criteria provided, single submitter. Criteria: Ambry Variant Classification Scheme 2023. Collection method: clinical testing. Allele origin: germline.
Comment: The p.N241H variant (also known as c.721A>C), located in coding exon 6 of the SMAD3 gene, results from an A to C substitution at nucleotide position 721. The asparagine at codon 241 is replaced by histidine, an amino acid with similar properties. This amino acid position is conserved. In addition, this alteration is predicted to be deleterious by in silico analysis. Based on the available evidence, the clinical significance of this variant remains unclear.

Labcorp Genetics (formerly Invitae), Labcorp
Classification: Uncertain significance for Familial thoracic aortic aneurysm and aortic dissection. Last evaluated: 2025-05-07. Review status: criteria provided, single submitter. Criteria: Invitae Variant Classification Sherloc (09022015). Collection method: clinical testing. Allele origin: germline.
Comment: This sequence change replaces asparagine, which is neutral and polar, with histidine, which is basic and polar, at codon 241 of the SMAD3 protein (p.Asn241His). This variant is not present in population databases (gnomAD no frequency). This variant has not been reported in the literature in individuals affected with SMAD3-related conditions. ClinVar contains an entry for this variant (Variation ID: 1714211). Invitae Evidence Modeling of protein sequence and biophysical properties (such as structural, functional, and spatial information, amino acid conservation, physicochemical variation, residue mobility, and thermodynamic stability) has been performed for this missense variant. However, the output from this modeling did not meet the statistical confidence thresholds required to predict the impact of this variant on SMAD3 protein function. In summary, the available evidence is currently insufficient to determine the role of this variant in disease. Therefore, it has been classified as a Variant of Uncertain Significance.